The following is an entry in ClinVar:

NM_004369.4(COL6A3):c.5590G>T (p.Ala1864Ser)

Gene: COL6A3 (collagen type VI alpha 3 chain; minus strand). Cytogenetic location: 2q37.3.
Variant type: single nucleotide variant.
Coding change: c.5590G>T on transcript NM_004369.4 (MANE Select); coding-DNA position 5590, G replaced by T.
Protein change: p.Ala1864Ser; replaces alanine 1864 with serine.
Molecular consequence: missense variant.
Genome position (GRCh38, 1-based): chr2:237,365,946, C>A on the plus strand (G>T on the coding strand, the complement: COL6A3 is on the minus strand). VCF-style: chr2-237365946-C-A. GRCh37 (hg19) VCF-style: chr2-238274589-C-A.
Other names: c.3769G>T, p.Ala1257Ser (NM_057166.5); c.4972G>T, p.Ala1658Ser (NM_057167.4); short protein forms A1658S, A1257S, A1864S.
Identifiers: ClinVar variation 937861 (VCV000937861.10), dbSNP rs756521643, ClinGen allele CA67813685.
Genomic context (GRCh38, chr2:237,365,946, plus strand): 5'-TGGGCGAGCGGCCACCGCTGCAGCTGACCCTGTGCATCTGGCTGATTCTGTTCAAGATGG[C>A]GTCCACCTTGGACTCGAAGCCCTTCTGGGCCACAAAAACATTCTGGTCTCTAGAACCATC-3'
Protein context (NP_004360.2, residues 1854-1874): AQKGFESKVD[Ala1864Ser]ILNRISQMHR

ClinVar aggregate classification (germline): Uncertain significance. Review status: criteria provided, multiple submitters, no conflicts (2 of 4 stars). 2 submissions from 2 submitters: Uncertain significance (2). Last evaluated 2022-01-15.

Conditions:
Bethlem myopathy 1A. Also called: Bethlem Muscular Dystrophy; MYOPATHY, BENIGN CONGENITAL, WITH CONTRACTURES; Bethlem myopathy 1. Identifiers: Orphanet 610, MedGen CN029274, MONDO:0024530, OMIM 158810.

gnomAD v4.1: 3 of 1,613,944 alleles (0.00019%); highest among the groups gnomAD compares: Non-Finnish European, 0.00017%; no homozygotes.

Submissions (2):

Labcorp Genetics (formerly Invitae), Labcorp
Classification: Uncertain significance for Bethlem myopathy 1A. Last evaluated: 2022-01-15. Review status: criteria provided, single submitter. Criteria: Invitae Variant Classification Sherloc (09022015). Collection method: clinical testing. Allele origin: germline.
Comment: Advanced modeling of protein sequence and biophysical properties (such as structural, functional, and spatial information, amino acid conservation, physicochemical variation, residue mobility, and thermodynamic stability) performed at Invitae indicates that this missense variant is not expected to disrupt COL6A3 protein function. ClinVar contains an entry for this variant (Variation ID: 937861). This variant has not been reported in the literature in individuals affected with COL6A3-related conditions. This variant is present in population databases (no rsID available, gnomAD 0.003%). This sequence change replaces alanine, which is neutral and non-polar, with serine, which is neutral and polar, at codon 1864 of the COL6A3 protein (p.Ala1864Ser). In summary, the available evidence is currently insufficient to determine the role of this variant in disease. Therefore, it has been classified as a Variant of Uncertain Significance.

Revvity Omics, Revvity
Classification: Uncertain significance. Last evaluated: 2019-06-26. Review status: criteria provided, single submitter. Criteria: ACMG Guidelines, 2015. Collection method: clinical testing. Allele origin: germline.